The following is an entry in ClinVar:

ClinVar aggregate classification (germline): Uncertain significance (1 of 4 stars; one submission).

Submission:

GeneDx
Classification: Uncertain significance. Last evaluated: 2022-05-25. Review status: criteria provided, single submitter. Criteria: GeneDx Variant Classification Process June 2021. Collection method: clinical testing. Allele origin: germline. Affected: yes.
Comment: Has not been previously published as pathogenic or benign to our knowledge; Not observed at significant frequency in large population cohorts (gnomAD); In silico analysis supports that this missense variant does not alter protein structure/function

NM_004380.3(CREBBP):c.2705C>T (p.Thr902Ile)

Gene: CREBBP (CREB binding protein; minus strand). Cytogenetic location: 16p13.3.
Variant type: single nucleotide variant.
Coding change: c.2705C>T on transcript NM_004380.3 (MANE Select); coding-DNA position 2705, C replaced by T.
Protein change: p.Thr902Ile; replaces threonine 902 with isoleucine.
Molecular consequence: missense variant.
Genome position (GRCh38, 1-based): chr16:3,770,745, G>A on the plus strand (C>T on the coding strand, the complement: CREBBP is on the minus strand). VCF-style: chr16-3770745-G-A. GRCh37 (hg19) VCF-style: chr16-3820746-G-A.
Other names: c.2591C>T, p.Thr864Ile (NM_001079846.1); short protein forms T864I, T902I.
Identifiers: ClinVar variation 1801001 (VCV001801001.1), dbSNP rs1332741491, ClinGen allele CA394551105.
Genomic context (GRCh38, chr16:3,770,745, plus strand): 5'-GCTGCTGCCTGGACTGTAGGGGTGCTCTGGGTTTGGGTAGCACTGGGCACTGAGCCAGGA[G>A]TCGGGGTGGGAGTCTGCCCGGAAGACGACACAGGAGTTGATGGCTGAGTGGGAGCTGCTG-3'
Protein context (NP_004371.2, residues 892-912): VSSSGQTPTP[Thr902Ile]PGSVPSATQT